The following is an entry in ClinVar:

ClinVar aggregate classification (germline): Benign/Likely benign. Review status: criteria provided, multiple submitters, no conflicts (2 of 4 stars). 6 submissions from 6 submitters: Benign (1); Likely benign (5). Last evaluated 2026-05-01.

Allele frequency attached by ClinVar (database versions not stated): 1000 Genomes Project 30x 0.00016; 1000 Genomes Project 0.00020; gnomAD 0.00144 and 0.00156; gnomAD exomes 0.00170 and 0.00186; ExAC 0.00171; TOPMed 0.00175; ESP Exome Variant Server 0.00185.
gnomAD v4.1: 2,755 of 1,614,206 alleles (0.17%); highest among the groups gnomAD compares: Middle Eastern, 0.33%; 5 homozygotes.

Submissions (6):

CeGaT Center for Human Genetics Tuebingen
Classification: Likely benign. Last evaluated: 2026-05-01. Review status: criteria provided, single submitter. Criteria: CeGaT Center For Human Genetics Tuebingen Variant Classification Criteria Version 2. Collection method: clinical testing. Allele origin: germline. Affected: yes. Observed: 3 variant alleles.
Comment: GANAB: BP4, BP7

Labcorp Genetics (formerly Invitae), Labcorp
Classification: Benign. Last evaluated: 2025-12-23. Review status: criteria provided, single submitter. Criteria: Invitae Variant Classification Sherloc (09022015). Collection method: clinical testing. Allele origin: germline.

Mayo Clinic Laboratories, Mayo Clinic
Classification: Likely benign. Last evaluated: 2025-01-31. Review status: criteria provided, single submitter. Criteria: ACMG Guidelines, 2015. Collection method: clinical testing. Allele origin: germline. Observed: 1 variant allele.
Comment: BS1, BP4, BP7

Blueprint Genetics
Classification: Likely benign. Last evaluated: 2024-11-22. Review status: criteria provided, single submitter. Criteria: ACMG Guidelines, 2015. Collection method: clinical testing. Allele origin: germline.

GeneDx
Classification: Likely benign. Last evaluated: 2021-05-13. Review status: criteria provided, single submitter. Criteria: GeneDx Variant Classification Process June 2021. Collection method: clinical testing. Allele origin: germline. Affected: yes.

Breakthrough Genomics
Classification: Likely benign. Review status: criteria provided, single submitter. Criteria: ACMG Guidelines, 2015. Collection method: not provided. Allele origin: germline. Inheritance: Autosomal dominant inheritance. Affected: yes.

NM_198334.3(GANAB):c.1467T>C (p.Tyr489=)

Gene: GANAB (glucosidase II alpha subunit; minus strand). Cytogenetic location: 11q12.3.
Variant type: single nucleotide variant.
Coding change: c.1467T>C on transcript NM_198334.3 (MANE Select); coding-DNA position 1467, T replaced by C.
Protein change: p.Tyr489=; no amino-acid change (tyrosine 489 retained).
Molecular consequence: synonymous variant.
Genome position (GRCh38, 1-based): chr11:62,630,425, A>G on the plus strand (T>C on the coding strand, the complement: GANAB is on the minus strand). VCF-style: chr11-62630425-A-G. GRCh37 (hg19) VCF-style: chr11-62397897-A-G.
Other names: p.Tyr511=; c.1191T>C, p.Tyr397= (NM_001278192.2); c.1125T>C, p.Tyr375= (NM_001278193.2); c.1176T>C, p.Tyr392= (NM_001278194.2, NM_001329222.2, NM_001329223.2); c.744T>C, p.Tyr248= (NM_001329224.2, NM_001329225.2); c.1533T>C, p.Tyr511= (NM_198335.4).
Identifiers: ClinVar variation 1188575 (VCV001188575.31), dbSNP rs150839688, ClinGen allele CA6050768.
Genomic context (GRCh38, chr11:62,630,425, plus strand): 5'-CTGGGTCTGCTTACCTGGCCAGCACCAGCCCTCATAGTCAGAGCCATCCCGGGTTTTAAC[A>G]TACAGCCCCAGGTTCCGCAGCTCCTCGTGAACTCGGTAGCCGGAGTCCACCTTGATGTGG-3'
Protein context (NP_938148.1, residues 479-499): VHEELRNLGL[Tyr489=]VKTRDGSDYE